The following is an entry in ClinVar:

NM_014915.3(ANKRD26):c.586G>A (p.Glu196Lys)

Gene: ANKRD26 (ankyrin repeat domain 26; minus strand). Cytogenetic location: 10p12.1.
Variant type: single nucleotide variant.
Coding change: c.586G>A on transcript NM_014915.3 (MANE Select); coding-DNA position 586, G replaced by A.
Protein change: p.Glu196Lys; replaces glutamic acid 196 with lysine.
Molecular consequence: missense variant.
Genome position (GRCh38, 1-based): chr10:27,092,458, C>T on the plus strand (G>A on the coding strand, the complement: ANKRD26 is on the minus strand). VCF-style: chr10-27092458-C-T. GRCh37 (hg19) VCF-style: chr10-27381387-C-T.
Other names: c.586G>A, p.Glu196Lys (NM_001256053.2); short protein forms E196K.
Identifiers: ClinVar variation 5023154 (VCV005023154.1).
Genomic context (GRCh38, chr10:27,092,458, plus strand): 5'-TACTGTACCTTTCCAACTTATCTACTGCATTTACATTTGCTTTTTTCTTTATTAAAAATT[C>T]CACCATTTGCTGCTTTTTTCCACTTACTGCAAGTAAAAGTGGTGTGAGGTCATCCTGTAA-3'
Protein context (NP_055730.2, residues 186-206): AVSGKKQQMV[Glu196Lys]FLIKKKANVN

ClinVar aggregate classification (germline): Uncertain significance (1 of 4 stars; one submission).

Conditions:
Inborn genetic diseases. Identifiers: MedGen C0950123, MeSH D030342.

gnomAD v4.1: 1 of 1,613,728 alleles (0.000062%); no homozygotes.

Submission:

Ambry Genetics
Classification: Uncertain significance for Inborn genetic diseases. Last evaluated: 2026-07-18. Review status: criteria provided, single submitter. Criteria: Ambry Variant Classification Scheme 2023. Collection method: clinical testing. Allele origin: germline.
Comment: The p.E196K variant (also known as c.586G>A), located in coding exon 4 of the ANKRD26 gene, results from a G to A substitution at nucleotide position 586. The glutamic acid at codon 196 is replaced by lysine, an amino acid with similar properties. This amino acid position is conserved. In addition, this alteration is predicted to be tolerated by in silico analysis. Based on the available evidence, the clinical significance of this variant remains unclear.